The following is an entry in ClinVar:

ClinVar aggregate classification (germline): Uncertain significance (1 of 4 stars; one submission).

Conditions:
Mitochondrial hypertrophic cardiomyopathy with lactic acidosis due to MTO1 deficiency. Also called: CARDIOMYOPATHY, INFANTILE HYPERTROPHIC MITOCHONDRIAL, AND LACTIC ACIDOSIS; Combined oxidative phosphorylation deficiency 10. Identifiers: Orphanet 314637, MedGen C4749921, MONDO:0013865, OMIM 614702.

Allele frequency attached by ClinVar (database versions not stated): gnomAD exomes below 0.00001.

Submission:

Labcorp Genetics (formerly Invitae), Labcorp
Classification: Uncertain significance for Mitochondrial hypertrophic cardiomyopathy with lactic acidosis due to MTO1 deficiency. Last evaluated: 2024-11-05. Review status: criteria provided, single submitter. Criteria: Invitae Variant Classification Sherloc (09022015). Collection method: clinical testing. Allele origin: germline.
Comment: This sequence change replaces histidine, which is basic and polar, with glutamine, which is neutral and polar, at codon 36 of the MTO1 protein (p.His36Gln). This variant is present in population databases (no rsID available, gnomAD 0.003%). This variant has not been reported in the literature in individuals affected with MTO1-related conditions. ClinVar contains an entry for this variant (Variation ID: 1057655). Invitae Evidence Modeling of protein sequence and biophysical properties (such as structural, functional, and spatial information, amino acid conservation, physicochemical variation, residue mobility, and thermodynamic stability) indicates that this missense variant is not expected to disrupt MTO1 protein function with a negative predictive value of 95%. In summary, the available evidence is currently insufficient to determine the role of this variant in disease. Therefore, it has been classified as a Variant of Uncertain Significance.

NM_012123.4(MTO1):c.108C>G (p.His36Gln)

Gene: MTO1 (mitochondrial tRNA translation optimization 1; plus strand). Cytogenetic location: 6q13.
Variant type: single nucleotide variant.
Coding change: c.108C>G on transcript NM_012123.4 (MANE Select); coding-DNA position 108, C replaced by G.
Protein change: p.His36Gln; replaces histidine 36 with glutamine.
Molecular consequence: missense variant.
Genome position (GRCh38, 1-based): chr6:73,461,962, C>G. VCF-style: chr6-73461962-C-G. GRCh37 (hg19) VCF-style: chr6-74171685-C-G.
Other names: c.108C>G, p.His36Gln (NM_001123226.2, NM_133645.3); short protein forms H36Q.
Identifiers: ClinVar variation 1057655 (VCV001057655.6), dbSNP rs1454178328, ClinGen allele CA364711909.